The following is an entry in ClinVar:

ClinVar aggregate classification (germline): Uncertain significance (1 of 4 stars; one submission).

Conditions:
Peutz-Jeghers syndrome (PJS). Also called: POLYPOSIS, HAMARTOMATOUS INTESTINAL; POLYPS-AND-SPOTS SYNDROME; Peutz-Jeghers polyposis; Periorificial lentiginosis syndrome. Identifiers: Orphanet 2869, MedGen C0031269, MeSH D010580, MONDO:0008280, OMIM 175200.

Submission:

Labcorp Genetics (formerly Invitae), Labcorp
Classification: Uncertain significance for Peutz-Jeghers syndrome. Last evaluated: 2025-11-05. Review status: criteria provided, single submitter. Criteria: Invitae Variant Classification Sherloc (09022015). Collection method: clinical testing. Allele origin: germline.
Comment: This sequence change replaces isoleucine, which is neutral and non-polar, with methionine, which is neutral and non-polar, at codon 248 of the STK11 protein (p.Ile248Met). This variant is not present in population databases (gnomAD no frequency). This variant has not been reported in the literature in individuals affected with STK11-related conditions. Invitae Evidence Modeling of protein sequence and biophysical properties (such as structural, functional, and spatial information, amino acid conservation, physicochemical variation, residue mobility, and thermodynamic stability) indicates that this missense variant is not expected to disrupt STK11 protein function with a negative predictive value of 95%. In summary, the available evidence is currently insufficient to determine the role of this variant in disease. Therefore, it has been classified as a Variant of Uncertain Significance.

NM_000455.5(STK11):c.744C>G (p.Ile248Met)

Gene: STK11 (serine/threonine kinase 11; plus strand). Cytogenetic location: 19p13.3.
Variant type: single nucleotide variant.
Coding change: c.744C>G on transcript NM_000455.5 (MANE Select); coding-DNA position 744, C replaced by G.
Protein change: p.Ile248Met; replaces isoleucine 248 with methionine.
Molecular consequence: missense variant. On other transcripts: non-coding transcript variant (1).
Genome position (GRCh38, 1-based): chr19:1,221,222, C>G. VCF-style: chr19-1221222-C-G. GRCh37 (hg19) VCF-style: chr19-1221221-C-G.
Other names: c.744C>G, p.Ile248Met (NM_001407255.1); short protein forms I248M.
Identifiers: ClinVar variation 4747134 (VCV004747134.1).